The following is an entry in ClinVar:

NM_005422.4(TECTA):c.5294G>T (p.Cys1765Phe)

Genes: TBCEL-TECTA (TBCEL-TECTA readthrough; plus strand), TECTA (tectorin alpha; plus strand). Cytogenetic location: 11q23.3.
Variant type: single nucleotide variant.
Coding change: c.5294G>T on transcript NM_005422.4 (MANE Select); coding-DNA position 5294, G replaced by T.
Protein change: p.Cys1765Phe; replaces cysteine 1765 with phenylalanine.
Molecular consequence: missense variant.
Genome position (GRCh38, 1-based): chr11:121,165,294, G>T. VCF-style: chr11-121165294-G-T. GRCh37 (hg19) VCF-style: chr11-121036003-G-T.
Other names: c.6236G>T, p.Cys2079Phe (NM_001378761.1); short protein forms C2079F, C1765F.
Identifiers: ClinVar variation 1410710 (VCV001410710.6), dbSNP rs1306964643, ClinGen allele CA383033208.

ClinVar aggregate classification (germline): Uncertain significance (1 of 4 stars; one submission).

Allele frequency attached by ClinVar (database versions not stated): gnomAD exomes below 0.00001.
gnomAD v4.1: 1 of 1,607,030 alleles (0.000062%); highest among the groups gnomAD compares: Admixed American, 0.0017%; no homozygotes.

Submission:

Labcorp Genetics (formerly Invitae), Labcorp
Classification: Uncertain significance. Last evaluated: 2021-08-11. Review status: criteria provided, single submitter. Criteria: Invitae Variant Classification Sherloc (09022015). Collection method: clinical testing. Allele origin: germline.
Comment: In summary, the available evidence is currently insufficient to determine the role of this variant in disease. Therefore, it has been classified as a Variant of Uncertain Significance. Algorithms developed to predict the effect of missense changes on protein structure and function (SIFT, PolyPhen-2, Align-GVGD) all suggest that this variant is likely to be disruptive. This variant has not been reported in the literature in individuals affected with TECTA-related conditions. This variant is not present in population databases (ExAC no frequency). This sequence change replaces cysteine with phenylalanine at codon 1765 of the TECTA protein (p.Cys1765Phe). The cysteine residue is highly conserved and there is a large physicochemical difference between cysteine and phenylalanine.